The following is an entry in ClinVar:

NM_006767.4(LZTR1):c.2513C>T (p.Ala838Val)

Gene: LZTR1 (leucine zipper like post translational regulator 1; plus strand). Cytogenetic location: 22q11.21.
Variant type: single nucleotide variant.
Coding change: c.2513C>T on transcript NM_006767.4 (MANE Select); coding-DNA position 2513, C replaced by T.
Protein change: p.Ala838Val; replaces alanine 838 with valine.
Molecular consequence: missense variant.
Genome position (GRCh38, 1-based): chr22:20,997,338, C>T. VCF-style: chr22-20997338-C-T. GRCh37 (hg19) VCF-style: chr22-21351627-C-T.
Other names: c.2513C>T (NM_006767.3); short protein forms A838V.
Identifiers: ClinVar variation 2901604 (VCV002901604.5), dbSNP rs200658445, ClinGen allele CA322274266.

ClinVar aggregate classification (germline): Uncertain significance. Review status: criteria provided, multiple submitters, no conflicts (2 of 4 stars). 2 submissions from 2 submitters: Uncertain significance (2). Last evaluated 2025-10-30.

Conditions:
Hereditary cancer-predisposing syndrome. Also called: Hereditary Cancer Syndrome; Hereditary neoplastic syndrome; Tumor predisposition; Neoplastic Syndromes, Hereditary. Identifiers: Orphanet 140162, MedGen C0027672, MeSH D009386, MONDO:0015356.
Cardiovascular phenotype. Identifiers: MedGen CN230736.

Allele frequency attached by ClinVar (database versions not stated): gnomAD exomes below 0.00001; gnomAD 0.00001; TOPMed 0.00001.
gnomAD v4.1: 3 of 1,612,318 alleles (0.00019%); highest among the groups gnomAD compares: Non-Finnish European, 0.00025%; no homozygotes.

Submissions (2):

Ambry Genetics
Classification: Uncertain significance for Cardiovascular phenotype; Hereditary cancer-predisposing syndrome. Last evaluated: 2025-10-30. Review status: criteria provided, single submitter. Criteria: Ambry Variant Classification Scheme 2023. Collection method: clinical testing. Allele origin: germline.
Comment: The p.A838V variant (also known as c.2513C>T), located in coding exon 21 of the LZTR1 gene, results from a C to T substitution at nucleotide position 2513. The alanine at codon 838 is replaced by valine, an amino acid with similar properties. This amino acid position is conserved. In addition, this alteration is predicted to be tolerated by in silico analysis. Based on the available evidence, the clinical significance of this variant remains unclear.

Labcorp Genetics (formerly Invitae), Labcorp
Classification: Uncertain significance. Last evaluated: 2024-07-02. Review status: criteria provided, single submitter. Criteria: Invitae Variant Classification Sherloc (09022015). Collection method: clinical testing. Allele origin: germline.
Comment: This sequence change replaces alanine, which is neutral and non-polar, with valine, which is neutral and non-polar, at codon 838 of the LZTR1 protein (p.Ala838Val). This variant is not present in population databases (gnomAD no frequency). This variant has not been reported in the literature in individuals affected with LZTR1-related conditions. Advanced modeling of protein sequence and biophysical properties (such as structural, functional, and spatial information, amino acid conservation, physicochemical variation, residue mobility, and thermodynamic stability) performed at Invitae indicates that this missense variant is not expected to disrupt LZTR1 protein function with a negative predictive value of 80%. In summary, the available evidence is currently insufficient to determine the role of this variant in disease. Therefore, it has been classified as a Variant of Uncertain Significance.